The following is an entry in ClinVar:

ClinVar aggregate classification (germline): Likely pathogenic (1 of 4 stars; one submission).

Conditions:
Progressive sclerosing poliodystrophy (MTDPS4A). Also called: Mitochondrial DNA depletion syndrome 4A (Alpers type); ALPERS PROGRESSIVE INFANTILE POLIODYSTROPHY; NEURONAL DEGENERATION OF CHILDHOOD WITH LIVER DISEASE, PROGRESSIVE; Alpers Syndrome; ALPERS DIFFUSE DEGENERATION OF CEREBRAL GRAY MATTER WITH HEPATIC CIRRHOSIS; Alpers-Huttenlocher Syndrome. Identifiers: Orphanet 726, MedGen C0205710, MONDO:0008758, OMIM 203700.

Allele frequency attached by ClinVar (database versions not stated): ExAC 0.00001.
gnomAD v4.1: 1 of 1,614,160 alleles (0.000062%); highest among the groups gnomAD compares: South Asian, 0.0011%; no homozygotes.

Submission:

Labcorp Genetics (formerly Invitae), Labcorp
Classification: Likely pathogenic for Progressive sclerosing poliodystrophy. Last evaluated: 2023-03-07. Review status: criteria provided, single submitter. Criteria: Invitae Variant Classification Sherloc (09022015). Collection method: clinical testing. Allele origin: germline.
Comment: This sequence change replaces threonine, which is neutral and polar, with asparagine, which is neutral and polar, at codon 851 of the POLG protein (p.Thr851Asn). This variant is present in population databases (rs765339802, gnomAD 0.003%). In summary, the currently available evidence indicates that the variant is pathogenic, but additional data are needed to prove that conclusively. Therefore, this variant has been classified as Likely Pathogenic. This variant disrupts the p.Thr851 amino acid residue in POLG. Other variant(s) that disrupt this residue have been determined to be pathogenic (PMID: 18195149, 18487244, 22647225). This suggests that this residue is clinically significant, and that variants that disrupt this residue are likely to be disease-causing. Advanced modeling of protein sequence and biophysical properties (such as structural, functional, and spatial information, amino acid conservation, physicochemical variation, residue mobility, and thermodynamic stability) performed at Invitae indicates that this missense variant is expected to disrupt POLG protein function. This variant has not been reported in the literature in individuals affected with POLG-related conditions.

Literature cited by the submitters: PubMed 18195149; PubMed 18487244; PubMed 22647225.

NM_002693.3(POLG):c.2552C>A (p.Thr851Asn)

Gene: POLG (DNA polymerase gamma, catalytic subunit; minus strand). Cytogenetic location: 15q26.1.
Variant type: single nucleotide variant.
Coding change: c.2552C>A on transcript NM_002693.3 (MANE Select); coding-DNA position 2552, C replaced by A.
Protein change: p.Thr851Asn; replaces threonine 851 with asparagine.
Molecular consequence: missense variant.
Genome position (GRCh38, 1-based): chr15:89,321,782, G>T on the plus strand (C>A on the coding strand, the complement: POLG is on the minus strand). VCF-style: chr15-89321782-G-T. GRCh37 (hg19) VCF-style: chr15-89865013-G-T.
Other names: c.2552C>A, p.Thr851Asn (NM_001126131.2); short protein forms T851N.
Identifiers: ClinVar variation 2843494 (VCV002843494.3), dbSNP rs765339802, ClinGen allele CA7724426.